The following is an entry in ClinVar:

NC_000008.10:g.(?_100454609)_(100589881_?)del

Gene: VPS13B (vacuolar protein sorting 13 homolog B; plus strand). Cytogenetic location: 8q22.2.
Variant type: Deletion.
Identifiers: ClinVar variation 3245445 (VCV003245445.1).

ClinVar aggregate classification (germline): Pathogenic (1 of 4 stars; one submission).

Conditions:
Cohen syndrome (COH1). Also called: Cutis verticis gyrata, retinitis pigmentosa, and sensorineural deafness; PEPPER SYNDROME. Identifiers: Orphanet 193, MedGen C0265223, MONDO:0008999, OMIM 216550.

Submission:

Labcorp Genetics (formerly Invitae), Labcorp
Classification: Pathogenic for Cohen syndrome. Last evaluated: 2023-04-13. Review status: criteria provided, single submitter. Criteria: Invitae Variant Classification Sherloc (09022015). Collection method: clinical testing. Allele origin: unknown.
Comment: For these reasons, this variant has been classified as Pathogenic. This variant disrupts a region of the VPS13B protein in which other variant(s) (deletion of exons 26-32) have been determined to be pathogenic (PMID: 29634382). This suggests that this is a clinically significant region of the protein, and that variants that disrupt it are likely to be disease-causing. This variant has not been reported in the literature in individuals affected with VPS13B-related conditions. This variant is a gross deletion of the genomic region encompassing exon(s) 23-33 of the VPS13B gene. This variant would be expected to be in-frame, preserving the integrity of the reading frame.

Literature cited by the submitters: PubMed 29634382.